The following is an entry in ClinVar:

NM_021784.5(FOXA2):c.363G>A (p.Gly121=)

Gene: FOXA2 (forkhead box A2; minus strand). Cytogenetic location: 20p11.21.
Variant type: single nucleotide variant.
Coding change: c.363G>A on transcript NM_021784.5 (MANE Select); coding-DNA position 363, G replaced by A.
Protein change: p.Gly121=; no amino-acid change (glycine 121 retained).
Molecular consequence: synonymous variant.
Genome position (GRCh38, 1-based): chr20:22,582,879, C>T on the plus strand (G>A on the coding strand, the complement: FOXA2 is on the minus strand). VCF-style: chr20-22582879-C-T. GRCh37 (hg19) VCF-style: chr20-22563517-C-T.
Other names: c.345G>A, p.Gly115= (NM_153675.3).
Identifiers: ClinVar variation 3041178 (VCV003041178.2), dbSNP rs561404961, ClinGen allele CA9787049.

ClinVar aggregate classification (germline): Likely benign (0 of 4 stars; one submission).

Conditions:
FOXA2-related disorder. Also called: FOXA2-related condition.

Allele frequency attached by ClinVar (database versions not stated): gnomAD 0.00010; TOPMed 0.00010; ExAC 0.00014; gnomAD exomes 0.00016; 1000 Genomes Project 0.00040; 1000 Genomes Project 30x 0.00047.
gnomAD v4.1: 242 of 1,574,056 alleles (0.015%); highest among the groups gnomAD compares: South Asian, 0.096%; 1 homozygote.

Submission:

PreventionGenetics, part of Exact Sciences
Classification: Likely benign for FOXA2-related condition. Last evaluated: 2019-03-20. Review status: no assertion criteria provided. Collection method: clinical testing. Allele origin: germline.
Comment: This variant is classified as likely benign based on ACMG/AMP sequence variant interpretation guidelines (Richards et al. 2015 PMID: 25741868, with internal and published modifications).